The following is an entry in ClinVar:

NM_001148.6(ANK2):c.10123C>T (p.Gln3375Ter)

Gene: ANK2 (ankyrin 2; plus strand). Cytogenetic location: 4q26.
Variant type: single nucleotide variant.
Coding change: c.10123C>T on transcript NM_001148.6 (MANE Select); coding-DNA position 10123, C replaced by T.
Protein change: p.Gln3375Ter; replaces glutamine 3375 with a stop codon.
Molecular consequence: nonsense. On other transcripts: intron variant (68).
Genome position (GRCh38, 1-based): chr4:113,358,741, C>T. VCF-style: chr4-113358741-C-T. GRCh37 (hg19) VCF-style: chr4-114279897-C-T.
Other names: c.4262-2082C>T (NM_001354264.2); c.4241-2082C>T (NM_001354267.2, NM_001386162.1, NM_001354249.2 and 2 more transcripts); c.4142-2082C>T (NM_001354271.2, NM_001386151.1, NM_001354260.2); c.3944-2082C>T (NM_001386158.1); c.4472-2082C>T (NM_001354241.2, NM_001386144.1, NM_001354240.2); c.4439-2082C>T (NM_001354225.2); c.4424-2082C>T (NM_001354235.2, NM_001354246.2, NM_001354265.2); c.4325-2082C>T (NM_001354236.2); and 35 more; short protein forms Q3414*, Q3422*, Q2175*, Q3375*, Q3297*.
Identifiers: ClinVar variation 5022224 (VCV005022224.1).

ClinVar aggregate classification (germline): Pathogenic (1 of 4 stars; one submission).

Conditions:
Cardiovascular phenotype. Identifiers: MedGen CN230736.

Submission:

Ambry Genetics
Classification: Pathogenic for Cardiovascular phenotype. Last evaluated: 2026-08-05. Review status: criteria provided, single submitter. Criteria: Ambry Variant Classification Scheme 2023. Collection method: clinical testing. Allele origin: germline.
Comment: The c.10123C>T (p.Q3375*) alteration, located in exon 38 (coding exon 38) of the ANK2 gene, consists of a C to T substitution at nucleotide position 10123. This changes the amino acid from a glutamine (Q) to a stop codon at amino acid position 3375. This variant is expected to result in loss of function by premature protein truncation or nonsense-mediated mRNA decay. This variant was not reported in population-based cohorts in the Genome Aggregation Database (gnomAD). Based on the available evidence, this alteration is classified as pathogenic.